The following is an entry in ClinVar:

NM_000431.4(MVK):c.846G>A (p.Met282Ile)

Gene: MVK (mevalonate kinase; plus strand). Cytogenetic location: 12q24.11.
Variant type: single nucleotide variant.
Coding change: c.846G>A on transcript NM_000431.4 (MANE Select); coding-DNA position 846, G replaced by A.
Protein change: p.Met282Ile; replaces methionine 282 with isoleucine.
Molecular consequence: missense variant. On other transcripts: non-coding transcript variant (4).
Genome position (GRCh38, 1-based): chr12:109,591,318, G>A. VCF-style: chr12-109591318-G-A. GRCh37 (hg19) VCF-style: chr12-110029123-G-A.
Other names: c.846G>A, p.Met282Ile (NM_001114185.3, NM_001414511.1, NM_001414513.1); c.690G>A, p.Met230Ile (NM_001301182.2, NM_001414514.1); c.921G>A, p.Met307Ile (NM_001414512.1); c.264G>A, p.Met88Ile (NM_001414515.1); short protein forms M230I, M282I, M307I, M88I.
Identifiers: ClinVar variation 3749595 (VCV003749595.2).

ClinVar aggregate classification (germline): Uncertain significance (1 of 4 stars; one submission).

Conditions:
Mevalonic aciduria (MEVA). Identifiers: Orphanet 29, MedGen C1959626, MONDO:0012481, OMIM 610377.
Hyperimmunoglobulin D with periodic fever (HIDS). Also called: HYPERIMMUNOGLOBULINEMIA D AND PERIODIC FEVER SYNDROME; Hyperimmunoglobulinemia D with periodic fever; Hyperimmunoglobulinemia D. Identifiers: Orphanet 343, MedGen C0398691, MONDO:0009849, OMIM 260920.
Porokeratosis 3, disseminated superficial actinic type (POROK3). Also called: POROKERATOSIS, DISSEMINATED SUPERFICIAL ACTINIC, 1; POROKERATOSIS 3, MULTIPLE TYPES; POROKERATOSIS 3, MIBELLI TYPE. Identifiers: MedGen C1867981, MONDO:0008293, OMIM 175900.

Submission:

Labcorp Genetics (formerly Invitae), Labcorp
Classification: Uncertain significance for Mevalonic aciduria; Hyperimmunoglobulin D with periodic fever; Porokeratosis 3, disseminated superficial actinic type. Last evaluated: 2025-09-26. Review status: criteria provided, single submitter. Criteria: Invitae Variant Classification Sherloc (09022015). Collection method: clinical testing. Allele origin: germline.
Comment: This sequence change replaces methionine, which is neutral and non-polar, with isoleucine, which is neutral and non-polar, at codon 282 of the MVK protein (p.Met282Ile). This variant is not present in population databases (gnomAD no frequency). This variant has not been reported in the literature in individuals affected with MVK-related conditions. ClinVar contains an entry for this variant (Variation ID: 3749595). Invitae Evidence Modeling of protein sequence and biophysical properties (such as structural, functional, and spatial information, amino acid conservation, physicochemical variation, residue mobility, and thermodynamic stability) has been performed for this missense variant. However, the output from this modeling did not meet the statistical confidence thresholds required to predict the impact of this variant on MVK protein function. In summary, the available evidence is currently insufficient to determine the role of this variant in disease. Therefore, it has been classified as a Variant of Uncertain Significance.